The following is an entry in ClinVar:

NM_022436.3(ABCG5):c.1325-2A>C

Genes: ABCG5 (ATP binding cassette subfamily G member 5; minus strand), DYNC2LI1 (dynein cytoplasmic 2 light intermediate chain 1; plus strand). Cytogenetic location: 2p21.
Variant type: single nucleotide variant.
Coding change: c.1325-2A>C on transcript NM_022436.3 (MANE Select); the canonical splice acceptor site of the intron before coding-DNA position 1325, A replaced by C.
Molecular consequence: splice acceptor variant. On other transcripts: intron variant (2).
Genome position (GRCh38, 1-based): chr2:43,822,937, T>G on the plus strand (A>C on the coding strand, the complement: ABCG5 is on the minus strand). VCF-style: chr2-43822937-T-G. GRCh37 (hg19) VCF-style: chr2-44050076-T-G.
Other names: c.*16-4449T>G (NM_001348913.2, NM_001348912.2).
Identifiers: ClinVar variation 4146450 (VCV004146450.1).

ClinVar aggregate classification (germline): Likely pathogenic (1 of 4 stars; one submission).

Conditions:
Cardiovascular phenotype. Identifiers: MedGen CN230736.

Submission:

Ambry Genetics
Classification: Likely pathogenic for Cardiovascular phenotype. Last evaluated: 2025-07-11. Review status: criteria provided, single submitter. Criteria: Ambry Variant Classification Scheme 2023. Collection method: clinical testing. Allele origin: germline.
Comment: The c.1325-2A>C intronic variant results from an A to C substitution two nucleotides upstream from coding exon 10 in the ABCG5 gene. Alterations that disrupt the canonical splice site are expected to result in aberrant splicing. In silico splice site analysis predicts that this alteration will weaken the native splice acceptor site and may result in the creation or strengthening of a novel splice acceptor site. A resulting transcript is predicted to be in-frame and is not expected to trigger nonsense-mediated mRNA decay; although, direct evidence is unavailable. However, the region predicted to be impacted is critical for protein function (Ambry internal data). This variant is considered to be rare based on population cohorts in the Genome Aggregation Database (gnomAD). This nucleotide position is highly conserved in available vertebrate species. Based on the majority of available evidence to date, this variant is likely to be pathogenic.